The following is an entry in ClinVar:

NM_006459.4(ERLIN1):c.195+3G>A

Gene: ERLIN1 (ER lipid raft associated 1; minus strand). Cytogenetic location: 10q24.31.
Variant type: single nucleotide variant.
Coding change: c.195+3G>A on transcript NM_006459.4 (MANE Select); 3 bases into the intron after coding-DNA position 195, G replaced by A.
Molecular consequence: intron variant.
Genome position (GRCh38, 1-based): chr10:100,183,753, C>T on the plus strand (G>A on the coding strand, the complement: ERLIN1 is on the minus strand). VCF-style: chr10-100183753-C-T. GRCh37 (hg19) VCF-style: chr10-101943510-C-T.
Other names: p.?; c.195+3G>A (NM_001347857.2, NM_001100626.2, NM_001347860.2 and 2 more transcripts); c.-58+1761G>A (NM_001347856.2); c.-177+3G>A (NM_001347858.2).
Identifiers: ClinVar variation 596294 (VCV000596294.12), dbSNP rs201208911, ClinGen allele CA5646143.
Genomic context (GRCh38, chr10:100,183,753, plus strand): 5'-AGTGTGGTAACTCCTGTCATGCCTGTCTATCTGGTATGGAGGCTTCCCCTAGGAATCACT[C>T]ACCTGCACAGATCTGAACGTAGTAATGAAAGGCAACATGATATGATAGCCTGGTCCACTG-3'

ClinVar aggregate classification (germline): Conflicting classifications of pathogenicity. Review status: criteria provided, conflicting classifications (1 of 4 stars). 4 submissions from 4 submitters: Uncertain significance (3); Likely benign (1). Last evaluated 2025-10-10.

Conditions:
Hereditary spastic paraplegia. Also called: Familial spastic paraparesis. Identifiers: Orphanet 685, MedGen C0037773, MONDO:0019064. Disease mechanism: loss of function.
Hereditary spastic paraplegia 62. Also called: Spastic paraplegia 62, autosomal recessive. Identifiers: Orphanet 401785, MedGen C4284588, MONDO:0014302, OMIM 615681.

Allele frequency attached by ClinVar (database versions not stated): ExAC 0.00026; gnomAD exomes 0.00030 and 0.00076; TOPMed 0.00030; gnomAD 0.00037 and 0.00040; ESP Exome Variant Server 0.00054.
gnomAD v4.1: 1,141 of 1,606,456 alleles (0.071%); highest among the groups gnomAD compares: Non-Finnish European, 0.094%; no homozygotes.

Submissions (4):

Mayo Clinic Laboratories, Mayo Clinic
Classification: Likely benign. Last evaluated: 2025-10-10. Review status: criteria provided, single submitter. Criteria: ACMG Guidelines, 2015. Collection method: clinical testing. Allele origin: germline. Observed: 1 variant allele.
Comment: BP4, BP7

Labcorp Genetics (formerly Invitae), Labcorp
Classification: Uncertain significance for Hereditary spastic paraplegia 62. Last evaluated: 2022-09-07. Review status: criteria provided, single submitter. Criteria: Invitae Variant Classification Sherloc (09022015). Collection method: clinical testing. Allele origin: germline.
Comment: This sequence change falls in intron 2 of the ERLIN1 gene. It does not directly change the encoded amino acid sequence of the ERLIN1 protein. It affects a nucleotide within the consensus splice site. This variant is present in population databases (rs201208911, gnomAD 0.06%). This variant has not been reported in the literature in individuals affected with ERLIN1-related conditions. ClinVar contains an entry for this variant (Variation ID: 596294). Variants that disrupt the consensus splice site are a relatively common cause of aberrant splicing (PMID: 17576681, 9536098). Algorithms developed to predict the effect of sequence changes on RNA splicing suggest that this variant is not likely to affect RNA splicing. In summary, the available evidence is currently insufficient to determine the role of this variant in disease. Therefore, it has been classified as a Variant of Uncertain Significance.

Genome Diagnostics Laboratory, The Hospital for Sick Children
Classification: Uncertain significance for Hereditary spastic paraplegia. Last evaluated: 2020-09-16. Review status: criteria provided, single submitter. Criteria: ACMG Guidelines, 2015. Collection method: clinical testing. Allele origin: germline. Affected: yes.

Eurofins Ntd Llc (ga)
Classification: Uncertain significance. Last evaluated: 2018-02-26. Review status: criteria provided, single submitter. Criteria: EGL ClinVar v180209 classification definitions. Collection method: clinical testing. Allele origin: germline. Observed: 2 variant alleles, 2 heterozygotes.

Literature cited by the submitters: PubMed 17576681 (cited by Labcorp Genetics (formerly Invitae), Labcorp); PubMed 9536098 (cited by Labcorp Genetics (formerly Invitae), Labcorp).